The following is an entry in ClinVar:

ClinVar aggregate classification (germline): Pathogenic/Likely pathogenic. Review status: criteria provided, multiple submitters, no conflicts (2 of 4 stars). 3 submissions from 3 submitters: Pathogenic (1); Likely pathogenic (1). 1 of the submissions does not count toward it. Last evaluated 2024-03-14.

Conditions:
Charcot-Marie-Tooth disease. Also called: Charcot-Marie-Tooth Hereditary Neuropathy; Charcot-Marie-Tooth Neuropathy. Identifiers: Orphanet 166, MedGen C0007959, MONDO:0015626.
Susceptibility to mononeuropathy of the median nerve, mild. Also called: CARPAL TUNNEL SYNDROME, SUSCEPTIBILITY TO. Identifiers: MedGen C3150596, MONDO:0013237, OMIM 613353.
Charcot-Marie-Tooth disease type 4C (CMT4C). Also called: Charcot-Marie-Tooth Neuropathy Type 4C (CMT4C); SH3TC2-Related Hereditary Motor and Sensory Neuropathy; CHARCOT-MARIE-TOOTH DISEASE, DEMYELINATING, AUTOSOMAL RECESSIVE, TYPE 4C; CHARCOT-MARIE-TOOTH DISEASE, DEMYELINATING, TYPE 4C; CMT 4C. Identifiers: Orphanet 99949, MedGen C1866636, MONDO:0011113, OMIM 601596.
Charcot-Marie-Tooth disease type 4. Also called: Charcot-Marie-Tooth, Type 4; Charcot-Marie-Tooth disease, type IV. Identifiers: Orphanet 64749, MedGen C4082197, MONDO:0018995.

Submissions (3):

Fulgent Genetics
Classification: Likely pathogenic for Charcot-Marie-Tooth disease type 4C; Susceptibility to mononeuropathy of the median nerve, mild. Last evaluated: 2024-03-14. Review status: criteria provided, single submitter. Criteria: ACMG Guidelines, 2015. Collection method: clinical testing. Allele origin: germline.

Labcorp Genetics (formerly Invitae), Labcorp
Classification: Pathogenic for Charcot-Marie-Tooth disease type 4. Last evaluated: 2022-02-05. Review status: criteria provided, single submitter. Criteria: Invitae Variant Classification Sherloc (09022015). Collection method: clinical testing. Allele origin: germline.
Comment: This sequence change creates a premature translational stop signal (p.Arg997Glyfs*18) in the SH3TC2 gene. It is expected to result in an absent or disrupted protein product. Loss-of-function variants in SH3TC2 are known to be pathogenic (PMID: 20220177, 27068304). For these reasons, this variant has been classified as Pathogenic. ClinVar contains an entry for this variant (Variation ID: 637410). This variant has not been reported in the literature in individuals affected with SH3TC2-related conditions. This variant is not present in population databases (gnomAD no frequency).

Inherited Neuropathy Consortium
Classification: Pathogenic for Charcot-Marie-Tooth disease. Review status: no assertion criteria provided. Collection method: literature only. Allele origin: germline. Affected: yes. Not counted in ClinVar's aggregate classification.

Literature cited by the submitters: PubMed 20220177 (cited by Labcorp Genetics (formerly Invitae), Labcorp); PubMed 27068304 (cited by Labcorp Genetics (formerly Invitae), Labcorp); PubMed 25614874 (cited by Inherited Neuropathy Consortium).

NM_024577.4(SH3TC2):c.2989del (p.Arg997fs)

Gene: SH3TC2 (SH3 domain and tetratricopeptide repeats 2; minus strand). Cytogenetic location: 5q32.
Variant type: Deletion.
Coding change: c.2989del on transcript NM_024577.4 (MANE Select); coding-DNA position 2989, one base deleted (C; older notation c.2989delC).
Protein change: p.Arg997fs; shifts the reading frame from arginine 997.
Molecular consequence: frameshift variant.
Genome position (GRCh38, 1-based): chr5:149,026,636, G deleted on the plus strand (C on the coding strand, the reverse complement: SH3TC2 is on the minus strand); the first of 2 consecutive G bases (chr5:149,026,636-149,026,637); deleting either gives the same sequence. VCF-style (leftmost placement, unchanged base first): chr5-149026635-CG-C. GRCh37 (hg19) VCF-style: chr5-148406198-CG-C.
Other names: c.2989delC (NM_024577.3); short protein forms R997fs.
Identifiers: ClinVar variation 637410 (VCV000637410.9), dbSNP rs1174949678, ClinGen allele CA805462422.
Genomic context (GRCh38, chr5:149,026,635, plus strand): 5'-GCGGTATTTAGGTTCCGATAAAGCTGCCCCAGGGACTCCAGCAGCCTCCCTTCCATCTCC[CG>C]GTCCCTGAGTTGCTGAGCCAGGGCCAGCCAGTGCTCATGGTAGGTGATGCATGCCTCAGG-3'